The following is an entry in ClinVar:

ClinVar aggregate classification (germline): Benign/Likely benign. Review status: criteria provided, multiple submitters, no conflicts (2 of 4 stars). 2 submissions from 2 submitters: Benign (1); Likely benign (1). Last evaluated 2026-01-11.

Conditions:
Xeroderma pigmentosum group A (XPA). Also called: Xeroderma pigmentosum, complementation group A; XP, group A; XPA-Related Xeroderma Pigmentosum. Identifiers: Orphanet 910, MedGen C0268135, MONDO:0010210, OMIM 278700.

Allele frequency attached by ClinVar (database versions not stated): gnomAD exomes 0.00002 and 0.00016; TOPMed 0.00006; gnomAD 0.00009 and 0.00011; ExAC 0.00029; 1000 Genomes Project 30x 0.00109.
gnomAD v4.1: 51 of 1,533,464 alleles (0.0033%); highest among the groups gnomAD compares: East Asian, 0.1%; no homozygotes.

Submissions (2):

Labcorp Genetics (formerly Invitae), Labcorp
Classification: Benign. Last evaluated: 2026-01-11. Review status: criteria provided, single submitter. Criteria: Invitae Variant Classification Sherloc (09022015). Collection method: clinical testing. Allele origin: germline.

Illumina Laboratory Services, Illumina
Classification: Likely benign for Xeroderma pigmentosum group A. Last evaluated: 2018-01-13. Review status: criteria provided, single submitter. Criteria: ICSL Variant Classification Criteria 13 December 2019. Collection method: clinical testing. Allele origin: germline.
Comment: This variant was observed in the ICSL laboratory as part of a predisposition screen in an ostensibly healthy population. It had not been previously curated by ICSL or reported in the Human Gene Mutation Database (HGMD: prior to June 1st, 2018), and was therefore a candidate for classification through an automated scoring system. Utilizing variant allele frequency, disease prevalence and penetrance estimates, and inheritance mode, an automated score was calculated to assess if this variant is too frequent to cause the disease. Based on the score and internal cut-off values, a variant classified as likely benign is not then subjected to further curation. The score for this variant resulted in a classification of likely benign for this disease.

NM_000380.4(XPA):c.172+11C>T

Gene: XPA (XPA, DNA damage recognition and repair factor; minus strand). Cytogenetic location: 9q22.33.
Variant type: single nucleotide variant.
Coding change: c.172+11C>T on transcript NM_000380.4 (MANE Select); 11 bases into the intron after coding-DNA position 172, C replaced by T.
Molecular consequence: intron variant. On other transcripts: 5 prime UTR variant (1).
Genome position (GRCh38, 1-based): chr9:97,697,110, G>A on the plus strand (C>T on the coding strand, the complement: XPA is on the minus strand). VCF-style: chr9-97697110-G-A. GRCh37 (hg19) VCF-style: chr9-100459392-G-A.
Other names: c.-967C>T (NM_001354975.2).
Identifiers: ClinVar variation 364090 (VCV000364090.8), dbSNP rs766386535, ClinGen allele CA5148902.